The following is an entry in ClinVar:

ClinVar aggregate classification (germline): Uncertain significance (1 of 4 stars; one submission).

Submission:

Labcorp Genetics (formerly Invitae), Labcorp
Classification: Uncertain significance. Last evaluated: 2022-08-23. Review status: criteria provided, single submitter. Criteria: Invitae Variant Classification Sherloc (09022015). Collection method: clinical testing. Allele origin: germline.
Comment: In summary, the available evidence is currently insufficient to determine the role of this variant in disease. Therefore, it has been classified as a Variant of Uncertain Significance. Algorithms developed to predict the effect of missense changes on protein structure and function are either unavailable or do not agree on the potential impact of this missense change (SIFT: "Deleterious"; PolyPhen-2: "Probably Damaging"; Align-GVGD: "Class C0"). ClinVar contains an entry for this variant (Variation ID: 1518487). This variant has not been reported in the literature in individuals affected with CPLANE1-related conditions. This variant is not present in population databases (gnomAD no frequency). This sequence change replaces valine, which is neutral and non-polar, with alanine, which is neutral and non-polar, at codon 1361 of the CPLANE1 protein (p.Val1361Ala).

NM_001384732.1(CPLANE1):c.4082T>C (p.Val1361Ala)

Gene: CPLANE1 (ciliogenesis and planar polarity effector complex subunit 1; minus strand). Cytogenetic location: 5p13.2.
Variant type: single nucleotide variant.
Coding change: c.4082T>C on transcript NM_001384732.1 (MANE Select); coding-DNA position 4082, T replaced by C.
Protein change: p.Val1361Ala; replaces valine 1361 with alanine.
Molecular consequence: missense variant.
Genome position (GRCh38, 1-based): chr5:37,186,393, A>G on the plus strand (T>C on the coding strand, the complement: CPLANE1 is on the minus strand). VCF-style: chr5-37186393-A-G. GRCh37 (hg19) VCF-style: chr5-37186495-A-G.
Other names: c.4082T>C, p.Val1361Ala (NM_023073.4); short protein forms V1361A.
Identifiers: ClinVar variation 1518487 (VCV001518487.6), dbSNP rs1783998158, ClinGen allele CA359503746.
Genomic context (GRCh38, chr5:37,186,393, plus strand): 5'-TCTCTTAAAGGAACCCTCACGTCCTCAGGATAGGGAAATGCTTTCACGAAAATTTCTGCT[A>G]CCTTCAGAAAAAAAATTGTTTAAGTTTTATGAGAAACATCATTCTTTTTTTTTCTTCCAT-3'
Protein context (NP_001371661.1, residues 1351-1371): LIGELPPIRK[Val1361Ala]AEIFVKAFPY